The following is an entry in ClinVar:

NM_000057.4(BLM):c.2989G>A (p.Asp997Asn)

Gene: BLM (BLM RecQ like helicase; plus strand). Cytogenetic location: 15q26.1.
Variant type: single nucleotide variant.
Coding change: c.2989G>A on transcript NM_000057.4 (MANE Select); coding-DNA position 2989, G replaced by A.
Protein change: p.Asp997Asn; replaces aspartic acid 997 with asparagine.
Molecular consequence: missense variant.
Genome position (GRCh38, 1-based): chr15:90,790,814, G>A. VCF-style: chr15-90790814-G-A. GRCh37 (hg19) VCF-style: chr15-91334044-G-A.
Other names: c.2989G>A, p.Asp997Asn (NM_001287246.2, NM_001287247.2); c.1864G>A, p.Asp622Asn (NM_001287248.2); short protein forms D622N, D997N.
Identifiers: ClinVar variation 4533144 (VCV004533144.2).

ClinVar aggregate classification (germline): Uncertain significance. Review status: criteria provided, multiple submitters, no conflicts (2 of 4 stars). 2 submissions from 2 submitters: Uncertain significance (2). Last evaluated 2025-05-18.

Conditions:
Bloom syndrome (BLM). Also called: Bloom-Torre-Machacek syndrome. Identifiers: Orphanet 125, MedGen C0005859, MONDO:0008876, OMIM 210900.

Submissions (2):

Labcorp Genetics (formerly Invitae), Labcorp
Classification: Uncertain significance for Bloom syndrome. Last evaluated: 2025-05-18. Review status: criteria provided, single submitter. Criteria: Invitae Variant Classification Sherloc (09022015). Collection method: clinical testing. Allele origin: germline.
Comment: This sequence change replaces aspartic acid, which is acidic and polar, with asparagine, which is neutral and polar, at codon 997 of the BLM protein (p.Asp997Asn). This variant is not present in population databases (gnomAD no frequency). This variant has not been reported in the literature in individuals affected with BLM-related conditions. Invitae Evidence Modeling of protein sequence and biophysical properties (such as structural, functional, and spatial information, amino acid conservation, physicochemical variation, residue mobility, and thermodynamic stability) indicates that this missense variant is expected to disrupt BLM protein function with a positive predictive value of 80%. In summary, the available evidence is currently insufficient to determine the role of this variant in disease. Therefore, it has been classified as a Variant of Uncertain Significance.

Quest Diagnostics Nichols Institute San Juan Capistrano
Classification: Uncertain significance. Last evaluated: 2025-02-14. Review status: criteria provided, single submitter. Criteria: Quest Diagnostics criteria. Collection method: clinical testing. Allele origin: unknown.
Comment: The BLM c.2989G>A (p.Asp997Asn) variant has not been reported in individuals with BLM-related conditions in the published literature. It also has not been reported in large, multi-ethnic general populations (Genome Aggregation Database). Analysis of this variant using bioinformatics tools for the prediction of the effect of amino acid changes on protein structure and function yielded predictions that this variant is damaging. Based on the available information, we are unable to determine the clinical significance of this variant.